The following is an entry in ClinVar:

ClinVar aggregate classification (germline): Uncertain significance (1 of 4 stars; one submission).

Conditions:
Familial cancer of breast. Also called: BREAST CANCER, FAMILIAL; Hereditary breast cancer; hereditary breast carcinoma. Identifiers: Orphanet 227535, MedGen C0346153, MONDO:0016419, OMIM 114480. Disease mechanism: loss of function.

Submission:

Labcorp Genetics (formerly Invitae), Labcorp
Classification: Uncertain significance for Familial cancer of breast. Last evaluated: 2023-01-24. Review status: criteria provided, single submitter. Criteria: Invitae Variant Classification Sherloc (09022015). Collection method: clinical testing. Allele origin: germline.
Comment: This sequence change replaces serine, which is neutral and polar, with leucine, which is neutral and non-polar, at codon 391 of the BARD1 protein (p.Ser391Leu). This variant is not present in population databases (gnomAD no frequency). This variant has not been reported in the literature in individuals affected with BARD1-related conditions. Algorithms developed to predict the effect of missense changes on protein structure and function output the following: SIFT: "Deleterious"; PolyPhen-2: "Benign"; Align-GVGD: "Class C25". The leucine amino acid residue is found in multiple mammalian species, which suggests that this missense change does not adversely affect protein function. In summary, the available evidence is currently insufficient to determine the role of this variant in disease. Therefore, it has been classified as a Variant of Uncertain Significance.

NM_000465.4(BARD1):c.1172C>T (p.Ser391Leu)

Gene: BARD1 (BRCA1 associated RING domain 1; minus strand). Cytogenetic location: 2q35.
Variant type: single nucleotide variant.
Coding change: c.1172C>T on transcript NM_000465.4 (MANE Select); coding-DNA position 1172, C replaced by T.
Protein change: p.Ser391Leu; replaces serine 391 with leucine.
Molecular consequence: missense variant. On other transcripts: non-coding transcript variant (2), intron variant (3).
Genome position (GRCh38, 1-based): chr2:214,780,702, G>A on the plus strand (C>T on the coding strand, the complement: BARD1 is on the minus strand). VCF-style: chr2-214780702-G-A. GRCh37 (hg19) VCF-style: chr2-215645426-G-A.
Other names: c.1115C>T, p.Ser372Leu (NM_001282543.2); c.159-28147C>T (NM_001282548.2); c.215+16359C>T (NM_001282545.2); c.364+11595C>T (NM_001282549.2); short protein forms S372L, S391L.
Identifiers: ClinVar variation 2734373 (VCV002734373.3), dbSNP rs878853995, ClinGen allele CA350453872.